The following is an entry in ClinVar:

ClinVar aggregate classification (germline): Uncertain significance (1 of 4 stars; one submission).

Submission:

Labcorp Genetics (formerly Invitae), Labcorp
Classification: Uncertain significance. Last evaluated: 2023-11-04. Review status: criteria provided, single submitter. Criteria: Invitae Variant Classification Sherloc (09022015). Collection method: clinical testing. Allele origin: germline.
Comment: This variant, c.5895_5903del, results in the deletion of 3 amino acid(s) of the POLE protein (p.Ala1967_Glu1969del), but otherwise preserves the integrity of the reading frame. This variant is not present in population databases (gnomAD no frequency). This variant has not been reported in the literature in individuals affected with POLE-related conditions. Experimental studies and prediction algorithms are not available or were not evaluated, and the functional significance of this variant is currently unknown. In summary, the available evidence is currently insufficient to determine the role of this variant in disease. Therefore, it has been classified as a Variant of Uncertain Significance.

NM_006231.4(POLE):c.5895_5903del (p.Ala1967_Glu1969del)

Gene: POLE (DNA polymerase epsilon, catalytic subunit; minus strand). Cytogenetic location: 12q24.33.
Variant type: Deletion.
Coding change: c.5895_5903del on transcript NM_006231.4 (MANE Select); coding-DNA positions 5895 to 5903, 9 bases deleted (AGAGGCGGA; older notation c.5895_5903delAGAGGCGGA).
Protein change: p.Ala1967_Glu1969del.
Molecular consequence: inframe deletion.
Genome position (GRCh38, 1-based): chr12:132,634,287-132,634,295, TCCGCCTCT deleted on the plus strand (AGAGGCGGA on the coding strand, the reverse complement: POLE is on the minus strand); deleting any 9 consecutive bases within chr12:132,634,287-132,634,298 gives the same sequence; the c. name uses the placement nearest the transcript's 3' end. VCF-style (leftmost placement, unchanged base first): chr12-132634286-CTCCGCCTCT-C. GRCh37 (hg19) VCF-style: chr12-133210872-CTCCGCCTCT-C.
Identifiers: ClinVar variation 2753943 (VCV002753943.3), dbSNP rs2541860018, ClinGen allele CA2697551630.